The following is an entry in ClinVar:

ClinVar aggregate classification (germline): Uncertain significance (1 of 4 stars; one submission).

Submission:

GeneDx
Classification: Uncertain significance. Last evaluated: 2024-05-08. Review status: criteria provided, single submitter. Criteria: GeneDx Variant Classification Process June 2021. Collection method: clinical testing. Allele origin: germline. Affected: yes.
Comment: Not observed at significant frequency in large population cohorts (gnomAD); In silico analysis supports that this missense variant has a deleterious effect on protein structure/function; Has not been previously published as pathogenic or benign to our knowledge

NM_021008.4(DEAF1):c.412G>C (p.Gly138Arg)

Gene: DEAF1 (DEAF1 transcription factor; minus strand). Cytogenetic location: 11p15.5.
Variant type: single nucleotide variant.
Coding change: c.412G>C on transcript NM_021008.4 (MANE Select); coding-DNA position 412, G replaced by C.
Protein change: p.Gly138Arg; replaces glycine 138 with arginine.
Molecular consequence: missense variant. On other transcripts: 5 prime UTR variant (1).
Genome position (GRCh38, 1-based): chr11:688,436, C>G on the plus strand (G>C on the coding strand, the complement: DEAF1 is on the minus strand). VCF-style: chr11-688436-C-G. GRCh37 (hg19) VCF-style: chr11-688436-C-G.
Other names: c.412G>C, p.Gly138Arg (NM_001293634.2); c.-315G>C (NM_001367390.1); short protein forms G138R.
Identifiers: ClinVar variation 3375521 (VCV003375521.1).